The following is an entry in ClinVar:

ClinVar aggregate classification (germline): Uncertain significance (1 of 4 stars; one submission).

Allele frequency attached by ClinVar (database versions not stated): gnomAD 0.00001; TOPMed 0.00001; ExAC 0.00003.
gnomAD v4.1: 19 of 1,606,178 alleles (0.0012%); highest among the groups gnomAD compares: South Asian, 0.0033%; no homozygotes.

Submission:

Labcorp Genetics (formerly Invitae), Labcorp
Classification: Uncertain significance. Last evaluated: 2025-10-24. Review status: criteria provided, single submitter. Criteria: Invitae Variant Classification Sherloc (09022015). Collection method: clinical testing. Allele origin: germline.
Comment: This sequence change replaces proline, which is neutral and non-polar, with leucine, which is neutral and non-polar, at codon 261 of the SIN3A protein (p.Pro261Leu). This variant is present in population databases (rs776384403, gnomAD 0.007%). This variant has not been reported in the literature in individuals affected with SIN3A-related conditions. ClinVar contains an entry for this variant (Variation ID: 2988739). An algorithm developed to predict the effect of missense changes on protein structure and function (PolyPhen-2) suggests that this variant is likely to be disruptive. In summary, the available evidence is currently insufficient to determine the role of this variant in disease. Therefore, it has been classified as a Variant of Uncertain Significance.

NM_001145358.2(SIN3A):c.782C>T (p.Pro261Leu)

Gene: SIN3A (SIN3 transcription regulator family member A; minus strand). Cytogenetic location: 15q24.2.
Variant type: single nucleotide variant.
Coding change: c.782C>T on transcript NM_001145358.2 (MANE Select); coding-DNA position 782, C replaced by T.
Protein change: p.Pro261Leu; replaces proline 261 with leucine.
Molecular consequence: missense variant.
Genome position (GRCh38, 1-based): chr15:75,411,718, G>A on the plus strand (C>T on the coding strand, the complement: SIN3A is on the minus strand). VCF-style: chr15-75411718-G-A. GRCh37 (hg19) VCF-style: chr15-75704059-G-A.
Other names: c.782C>T, p.Pro261Leu (NM_015477.3, NM_001145357.2); short protein forms P261L.
Identifiers: ClinVar variation 2988739 (VCV002988739.3), dbSNP rs776384403, ClinGen allele CA7667817.